The following is an entry in ClinVar:

ClinVar aggregate classification (germline): Uncertain significance. Review status: criteria provided, multiple submitters, no conflicts (2 of 4 stars). 3 submissions from 3 submitters: Uncertain significance (3). Last evaluated 2022-03-08.

Conditions:
Microcephaly, normal intelligence and immunodeficiency (NBS). Also called: BERLIN BREAKAGE SYNDROME; SEEMANOVA SYNDROME II; Immunodeficiency, microcephaly with normal intelligence; Nijmegen breakage syndrome; Microcephaly with normal intelligence immunodeficiency and lymphoreticular malignancies; Nonsyndromal microcephaly autosomal recessive with normal intelligence. Identifiers: Orphanet 647, MedGen C0398791, MONDO:0009623, OMIM 251260.

Allele frequency attached by ClinVar (database versions not stated): gnomAD exomes below 0.00001; ExAC 0.00001.
gnomAD v4.1: 1 of 1,612,982 alleles (0.000062%); highest among the groups gnomAD compares: Non-Finnish European, 0.000085%; no homozygotes.

Submissions (3):

Labcorp Genetics (formerly Invitae), Labcorp
Classification: Uncertain significance for Microcephaly, normal intelligence and immunodeficiency. Last evaluated: 2022-03-08. Review status: criteria provided, single submitter. Criteria: Invitae Variant Classification Sherloc (09022015). Collection method: clinical testing. Allele origin: germline.
Comment: In summary, the available evidence is currently insufficient to determine the role of this variant in disease. Therefore, it has been classified as a Variant of Uncertain Significance. Algorithms developed to predict the effect of missense changes on protein structure and function are either unavailable or do not agree on the potential impact of this missense change (SIFT: "Deleterious"; PolyPhen-2: "Probably Damaging"; Align-GVGD: "Class C0"). ClinVar contains an entry for this variant (Variation ID: 419540). This variant has not been reported in the literature in individuals affected with NBN-related conditions. This variant is present in population databases (rs749025721, gnomAD 0.0009%). This sequence change replaces phenylalanine, which is neutral and non-polar, with serine, which is neutral and polar, at codon 227 of the NBN protein (p.Phe227Ser).

Genome-Nilou Lab
Classification: Uncertain significance for Microcephaly, normal intelligence and immunodeficiency. Last evaluated: 2021-11-07. Review status: criteria provided, single submitter. Criteria: ACMG Guidelines, 2015. Collection method: clinical testing. Allele origin: germline. Affected: no.

GeneDx
Classification: Uncertain significance. Last evaluated: 2015-07-22. Review status: criteria provided, single submitter. Criteria: GeneDx Variant Classification (06012015). Collection method: clinical testing. Allele origin: germline. Affected: yes.
Comment: This variant is denoted NBN c.680T>C at the cDNA level, p.Phe227Ser (F227S) at the protein level, and results in the change of a Phenylalanine to a Serine (TTT>TCT). This variant was observed in a cohort of individuals referred for hereditary cancer testing (Yorczyk 2014). NBN Phe227Ser was not observed in approximately 6,500 individuals of European and African American ancestry in the NHLBI Exome Sequencing Project, indicating it is not a common benign variant in these populations. Since Phenylalanine and Serine differ in polarity, charge, size or other properties, this is considered a non-conservative amino acid substitution. NBN Phe227Ser occurs at a position that is conserved across species and is located in the region of interaction with MTOR, MAPKAP1 and RICTOR and the region that mediates interaction with SP100 (UniProt). In silico analyses predict that this variant is probably damaging to protein structure and function. Based on currently available information, it is unclear whether NBN Phe227Ser is pathogenic or benign. We consider it to be a variant of uncertain significance.

NM_002485.5(NBN):c.680T>C (p.Phe227Ser)

Gene: NBN (nibrin; minus strand). Cytogenetic location: 8q21.3.
Variant type: single nucleotide variant.
Coding change: c.680T>C on transcript NM_002485.5 (MANE Select); coding-DNA position 680, T replaced by C.
Protein change: p.Phe227Ser; replaces phenylalanine 227 with serine.
Molecular consequence: missense variant.
Genome position (GRCh38, 1-based): chr8:89,971,195, A>G on the plus strand (T>C on the coding strand, the complement: NBN is on the minus strand). VCF-style: chr8-89971195-A-G. GRCh37 (hg19) VCF-style: chr8-90983423-A-G.
Other names: c.434T>C, p.Phe145Ser (NM_001024688.3); short protein forms F227S, F145S.
Identifiers: ClinVar variation 419540 (VCV000419540.11), dbSNP rs749025721, ClinGen allele CA4802912.